The following is an entry in ClinVar:

NM_172245.4(CSF2RA):c.101C>G (p.Ser34Cys)

Gene: CSF2RA (colony stimulating factor 2 receptor subunit alpha; plus strand). Cytogenetic location: Xp22.33.
Variant type: single nucleotide variant.
Coding change: c.101C>G on transcript NM_172245.4 (MANE Select); coding-DNA position 101, C replaced by G.
Protein change: p.Ser34Cys; replaces serine 34 with cysteine.
Molecular consequence: missense variant. On other transcripts: non-coding transcript variant (1), intron variant (1).
Genome position (GRCh38, 1-based): chrX:1,285,802, C>G. VCF-style: chrX-1285802-C-G. GRCh37 (hg19) VCF-style: chrX-1404695-C-G.
Other names: c.101C>G, p.Ser34Cys (NM_001161529.2, NM_001161530.2, NM_001161531.2 and 20 more transcripts); c.-180-2717C>G (NM_001161532.2); short protein forms S34C.
Identifiers: ClinVar variation 1055505 (VCV001055505.10), dbSNP rs139819371, ClinGen allele CA10330674.

ClinVar aggregate classification (germline): Uncertain significance (1 of 4 stars; one submission).

Conditions:
Surfactant metabolism dysfunction, pulmonary, 4 (SMDP4). Also called: CSF2RA DEFICIENCY; PAP DUE TO CSF2RA DEFICIENCY; PULMONARY ALVEOLAR PROTEINOSIS, CONGENITAL, 4. Identifiers: Orphanet 264675, MedGen C2677877, MONDO:0010424, OMIM 300770.

Allele frequency attached by ClinVar (database versions not stated): gnomAD exomes 0.00001 and 0.00005; ExAC 0.00004; gnomAD 0.00004 and 0.00005; TOPMed 0.00008; ESP Exome Variant Server 0.00015.
gnomAD v4.1: 25 of 1,612,014 alleles (0.0016%); highest among the groups gnomAD compares: African/African-American, 0.0094%; no homozygotes.

Submission:

Labcorp Genetics (formerly Invitae), Labcorp
Classification: Uncertain significance for Surfactant metabolism dysfunction, pulmonary, 4. Last evaluated: 2024-10-22. Review status: criteria provided, single submitter. Criteria: Invitae Variant Classification Sherloc (09022015). Collection method: clinical testing. Allele origin: germline.
Comment: This sequence change replaces serine, which is neutral and polar, with cysteine, which is neutral and slightly polar, at codon 34 of the CSF2RA protein (p.Ser34Cys). This variant is present in population databases (no rsID available, gnomAD 0.01%). This variant has not been reported in the literature in individuals affected with CSF2RA-related conditions. ClinVar contains an entry for this variant (Variation ID: 1055505). Invitae Evidence Modeling of protein sequence and biophysical properties (such as structural, functional, and spatial information, amino acid conservation, physicochemical variation, residue mobility, and thermodynamic stability) indicates that this missense variant is not expected to disrupt CSF2RA protein function with a negative predictive value of 80%. In summary, the available evidence is currently insufficient to determine the role of this variant in disease. Therefore, it has been classified as a Variant of Uncertain Significance.